The following is an entry in ClinVar:

NM_000500.9(CYP21A2):c.913G>A (p.Val305Met)

Genes: CYP21A2 (cytochrome P450 family 21 subfamily A member 2; plus strand), LOC106780800 (CYP21A2 recombination region; plus strand). Cytogenetic location: 6p21.33.
Variant type: single nucleotide variant.
Coding change: c.913G>A on transcript NM_000500.9 (MANE Select); coding-DNA position 913, G replaced by A.
Protein change: p.Val305Met; replaces valine 305 with methionine.
Molecular consequence: missense variant.
Genome position (GRCh38, 1-based): chr6:32,040,179, G>A. VCF-style: chr6-32040179-G-A. GRCh37 (hg19) VCF-style: chr6-32007956-G-A.
Other names: p.Val305Met; V304M; c.823G>A, p.Val275Met (NM_001128590.4); c.508G>A, p.Val170Met (NM_001368143.2, NM_001368144.2); c.913G>A (NM_000500.7); short protein forms V170M, V275M, V305M.
Identifiers: ClinVar variation 1675317 (VCV001675317.7), dbSNP rs151344505, ClinGen allele CA3732569.

ClinVar aggregate classification (germline): Conflicting classifications of pathogenicity. Review status: criteria provided, conflicting classifications (1 of 4 stars). 5 submissions from 5 submitters: Pathogenic (1); Likely pathogenic (1); Uncertain significance (2). 1 of the submissions does not count toward it. Last evaluated 2025-08-05.

Conditions:
CYP21A2-related disorder. Also called: CYP21A2-related condition.
21-Hydroxylase-Deficient Congenital Adrenal Hyperplasia. Also called: ADRENAL HYPERPLASIA, CONGENITAL, DUE TO 21-HYDROXYLASE DEFICIENCY; ADRENAL HYPERPLASIA III. Identifiers: MedGen C2936858, OMIM 201910.
Hyperandrogenism, nonclassic type, due to 21-hydroxylase deficiency. Identifiers: MedGen C1859995.

Allele frequency attached by ClinVar (database versions not stated): 1000 Genomes Project 30x 0.00062; 1000 Genomes Project 0.00080; gnomAD 0.00010 and 0.00013; gnomAD exomes 0.00011 and 0.00012; TOPMed 0.00012; ExAC 0.00015.
gnomAD v4.1: 210 of 1,612,880 alleles (0.013%); highest among the groups gnomAD compares: East Asian, 0.022%; 1 homozygote.

Submissions (5):

Quest Diagnostics Nichols Institute San Juan Capistrano
Classification: Pathogenic. Last evaluated: 2025-08-05. Review status: criteria provided, single submitter. Criteria: Quest Diagnostics criteria. Collection method: clinical testing. Allele origin: unknown.
Comment: The CYP21A2 c.913G>A (p.Val305Met) variant has been described as a mild mutation, shown to cause a partial reduction in enzymatic activity in vitro (26-46% residual activity compared to wild type) (PMID: 12050257 (2002)). This variant has been reported in the compound heterozygous and homozygous state in individuals with non-classic CAH (PMID: 12050257 (2002), 19501079 (2009), 21635882 (2011), 25538881 (2014), 25481255 (2015)). The frequency of this variant in the general population (Genome Aggregation Database) is uninformative in the assessment of its pathogenicity. Based on the available information, this variant is classified as pathogenic.

PreventionGenetics, part of Exact Sciences
Classification: Likely pathogenic for CYP21A2-related condition. Last evaluated: 2025-07-28. Review status: criteria provided, single submitter. Criteria: ACMG Guidelines, 2015. Collection method: clinical testing. Allele origin: germline.
Comment: The CYP21A2 c.913G>A variant is predicted to result in the amino acid substitution p.Val305Met. Also know as V304M in the literature, this variant has been reported in the homozygous state in an individual with non-classic congenital adrenal hyperplasia (CAH) and this variant was shown to partial reduce the enzyme activity in an in vitro assay (Lajic et al. 2002. PubMed ID: 12050257). The structure-phenotype correlation study suggested that this change is among pathogenic variants associated with non-classic CAH due to disrupted salt-bridge and hydrogen-bonding networks (Haider et al. 2013. PubMed ID: 23359706). This variant was also reported in an individual with premature adrenarche which is a common feature of non-classic CAH in children although no more details were provided (Skordis et al. 2014. PubMed ID: 25481255). Of note, a different substitution at the same codon, defined as c.914T>A (p.Val305Glu), was reported as "likely pathogenic" in an individual with CAH (Wang et al. 2016. PubMed ID: 26804566). The c.913G>A (p.Val305Met) variant is reported in 0.040% of alleles in individuals of East Asian descent in gnomAD. This variant falls within a highly paralogous region. Allele frequency data should be interpreted with caution. This variant is interpreted as likely pathogenic.

Department of Pathology and Laboratory Medicine, Sinai Health System
Classification: Uncertain significance for 21-Hydroxylase-Deficient Congenital Adrenal Hyperplasia. Last evaluated: 2023-01-19. Review status: criteria provided, single submitter. Criteria: ACMG Guidelines, 2015. Collection method: research. Allele origin: germline.

Institute of Medical Genetics and Genomics, Sir Ganga Ram Hospital
Classification: Uncertain significance for 21-Hydroxylase-Deficient Congenital Adrenal Hyperplasia. Last evaluated: 2021-03-10. Review status: criteria provided, single submitter. Criteria: ACMG Guidelines, 2015. Collection method: clinical testing. Allele origin: germline. Affected: yes. Observed: 1 variant allele.

OMIM
Classification: Pathogenic for HYPERANDROGENISM, NONCLASSIC TYPE, DUE TO 21-HYDROXYLASE DEFICIENCY. Last evaluated: 2002-06-01. Review status: no assertion criteria provided. Collection method: literature only. Allele origin: germline. Not counted in ClinVar's aggregate classification.

Literature cited by the submitters: PubMed 23359698 (cited by Institute of Medical Genetics and Genomics, Sir Ganga Ram Hospital); PubMed 33552137 (cited by Institute of Medical Genetics and Genomics, Sir Ganga Ram Hospital); PubMed 30611409 (cited by Institute of Medical Genetics and Genomics, Sir Ganga Ram Hospital); PubMed 29035424 (cited by Institute of Medical Genetics and Genomics, Sir Ganga Ram Hospital); PubMed 12050257 (cited by OMIM).